The following is an entry in ClinVar:

ClinVar aggregate classification (germline): Likely pathogenic (1 of 4 stars; one submission).

Conditions:
Pyruvate dehydrogenase E3 deficiency (DLDD). Also called: Dihydrolipoamide Dehydrogenase (E3) Deficiency; MAPLE SYRUP URINE DISEASE, TYPE III; Dihydrolipoamide Dehydrogenase E3 Deficiency; DLD DEFICIENCY; E3 DEFICIENCY; Lipoamide dehydrogenase deficiency, lactic acidosis due to. Identifiers: Orphanet 2394, Orphanet 765, MedGen C5574660, MONDO:0009529, OMIM 246900.

Submission:

Women's Health and Genetics/Laboratory Corporation of America, LabCorp
Classification: Likely pathogenic for Pyruvate dehydrogenase E3 deficiency. Last evaluated: 2023-03-10. Review status: criteria provided, single submitter. Criteria: LabCorp Variant Classification Summary - May 2015. Collection method: clinical testing. Allele origin: germline.
Comment: Variant summary: DLD c.268-1G>A is located in a canonical splice-site and is predicted to affect mRNA splicing resulting in a significantly altered protein due to either exon skipping, shortening, or inclusion of intronic material. Several computational tools predict a significant impact on normal splicing: Four predict the variant abolishes a 3' acceptor site and creates a 3' acceptor site 1 bp downstream of the original site, resulting in a frameshift. However, these predictions have yet to be confirmed by functional studies. The variant was absent in 249974 control chromosomes. To our knowledge, no occurrence of c.268-1G>A in individuals affected with Dihydrolipoamide Dehydrogenase Deficiency (MSUD Type 3) and no experimental evidence demonstrating its impact on protein function have been reported. No clinical diagnostic laboratories have submitted clinical-significance assessments for this variant to ClinVar after 2014. Based on the evidence outlined above, the variant was classified as likely pathogenic.

NM_000108.5(DLD):c.268-1G>A

Gene: DLD (dihydrolipoamide dehydrogenase; plus strand). Cytogenetic location: 7q31.1.
Variant type: single nucleotide variant.
Coding change: c.268-1G>A on transcript NM_000108.5 (MANE Select); the canonical splice acceptor site of the intron before coding-DNA position 268, G replaced by A.
Molecular consequence: splice acceptor variant.
Genome position (GRCh38, 1-based): chr7:107,903,477, G>A. VCF-style: chr7-107903477-G-A. GRCh37 (hg19) VCF-style: chr7-107543922-G-A.
Other names: c.268-1G>A (NM_001289752.1); c.199-1G>A (NM_001289751.1); c.-30-1G>A (NM_001289750.1).
Identifiers: ClinVar variation 2501030 (VCV002501030.1), dbSNP rs2535575834, ClinGen allele CA368854996.